The following is an entry in ClinVar:

NM_000369.5(TSHR):c.1411G>A (p.Ala471Thr)

Genes: TSHR (thyroid stimulating hormone receptor; plus strand), TSHR-AS1 (TSHR antisense RNA 1; minus strand). Cytogenetic location: 14q31.1.
Variant type: single nucleotide variant.
Coding change: c.1411G>A on transcript NM_000369.5 (MANE Select); coding-DNA position 1411, G replaced by A.
Protein change: p.Ala471Thr; replaces alanine 471 with threonine.
Molecular consequence: missense variant.
Genome position (GRCh38, 1-based): chr14:81,143,469, G>A. VCF-style: chr14-81143469-G-A. GRCh37 (hg19) VCF-style: chr14-81609813-G-A.
Other names: short protein forms A471T.
Identifiers: ClinVar variation 3775739 (VCV003775739.1).

ClinVar aggregate classification (germline): Uncertain significance (1 of 4 stars; one submission).

Conditions:
Hypothyroidism due to TSH receptor mutations. Also called: HYPOTHYROIDISM DUE TO UNRESPONSIVENESS TO THYROTROPIN; HYPOTHYROIDISM, CONGENITAL, DUE TO TSH RESISTANCE; HYPOTHYROIDISM, NONAUTOIMMUNE; THYROID-STIMULATING HORMONE, RESISTANCE TO; TSH RESISTANCE; Hypothyroidism, congenital, nongoitrous, 1. Identifiers: Orphanet 90673, MedGen C3493776, MONDO:0010142, OMIM 275200.

gnomAD v4.1: 23 of 1,613,948 alleles (0.0014%); highest among the groups gnomAD compares: East Asian, 0.0067%; no homozygotes.

Submission:

3billion
Classification: Uncertain significance for Hypothyroidism due to TSH receptor mutations. Last evaluated: 2023-08-04. Review status: criteria provided, single submitter. Criteria: ACMG Guidelines, 2015. Collection method: clinical testing. Allele origin: germline. Affected: yes.
Comment: The variant is observed at an extremely low frequency in the gnomAD v2.1.1 dataset (total allele frequency: 0.001%). Predicted Consequence/Location: Missense changes are a common disease-causing mechanism. In silico tool predictions suggest damaging effect of the variant on gene or gene product (REVEL: 0.84; 3Cnet: 0.40). Same nucleotide change resulting in same amino acid change has been previously reported to be associated with TSHR-related disorder (PMID: 28444304). However, the evidence of pathogenicity is insufficient at this time. Therefore, this variant is classified as VUS according to the recommendation of ACMG/AMP guideline.